The following is an entry in ClinVar:

ClinVar aggregate classification (germline): Pathogenic (1 of 4 stars; one submission).

Conditions:
Hereditary cancer-predisposing syndrome. Also called: Hereditary Cancer Syndrome; Tumor predisposition; Hereditary neoplastic syndrome; Neoplastic Syndromes, Hereditary. Identifiers: Orphanet 140162, MedGen C0027672, MeSH D009386, MONDO:0015356.
Cardiovascular phenotype. Identifiers: MedGen CN230736.

Submission:

Ambry Genetics
Classification: Pathogenic for Cardiovascular phenotype; Hereditary cancer-predisposing syndrome. Last evaluated: 2024-07-25. Review status: criteria provided, single submitter. Criteria: Ambry Variant Classification Scheme 2023. Collection method: clinical testing. Allele origin: germline.
Comment: The c.5835delC pathogenic mutation, located in coding exon 39 of the NF1 gene, results from a deletion of one nucleotide at nucleotide position 5835, causing a translational frameshift with a predicted alternate stop codon (p.K1946Nfs*12). This variant is considered to be rare based on population cohorts in the Genome Aggregation Database (gnomAD). This alteration is expected to result in loss of function by premature protein truncation or nonsense-mediated mRNA decay. As such, this alteration is interpreted as a disease-causing mutation.

NM_001042492.3(NF1):c.5898del (p.Lys1967fs)

Gene: NF1 (neurofibromin 1; plus strand). Cytogenetic location: 17q11.2.
Variant type: Deletion.
Coding change: c.5898del on transcript NM_001042492.3 (MANE Select); coding-DNA position 5898, one base deleted (C; older notation c.5898delC).
Protein change: p.Lys1967fs; shifts the reading frame from lysine 1967.
Molecular consequence: frameshift variant.
Genome position (GRCh38, 1-based): chr17:31,334,923, C deleted; the last of 2 consecutive C bases (chr17:31,334,922-31,334,923); deleting either gives the same sequence. VCF-style (leftmost placement, unchanged base first): chr17-31334921-GC-G. GRCh37 (hg19) VCF-style: chr17-29661939-GC-G.
Other names: c.5835delC (NM_000267.3); c.5835delC, p.Lys1946Asnfs (NM_000267.4); short protein forms K1946fs, K1967fs.
Identifiers: ClinVar variation 3404675 (VCV003404675.1).